The following is an entry in ClinVar:

ClinVar aggregate classification (germline): Pathogenic/Likely pathogenic. Review status: criteria provided, multiple submitters, no conflicts (2 of 4 stars). 2 submissions from 2 submitters: Pathogenic (1); Likely pathogenic (1). Last evaluated 2021-04-04.

Conditions:
Long QT syndrome (LQTS). Identifiers: MedGen C0023976, MeSH D008133, MONDO:0002442. Disease mechanism: loss of function. Inheritance: Various modes of inheritance.
Familial long QT syndrome (RWS). Also called: VENTRICULAR FIBRILLATION WITH PROLONGED QT INTERVAL; Congenital long QT syndrome; Romano-Ward syndrome. Identifiers: Orphanet 768, MedGen C1141890, MONDO:0019171.

Submissions (2):

Labcorp Genetics (formerly Invitae), Labcorp
Classification: Pathogenic for Long QT syndrome. Last evaluated: 2021-04-04. Review status: criteria provided, single submitter. Criteria: Invitae Variant Classification Sherloc (09022015). Collection method: clinical testing. Allele origin: germline.
Comment: This variant is not present in population databases (ExAC no frequency). For these reasons, this variant has been classified as Pathogenic. This variant has not been reported in the literature in individuals with KCNH2-related conditions. ClinVar contains an entry for this variant (Variation ID: 667408). This sequence change creates a premature translational stop signal (p.Ile662Serfs*52) in the KCNH2 gene. It is expected to result in an absent or disrupted protein product. Loss-of-function variants in KCNH2 are known to be pathogenic (PMID: 10973849, 19862833).

Laboratory for Molecular Medicine, Mass General Brigham Personalized Medicine
Classification: Likely pathogenic for Familial long QT syndrome. Last evaluated: 2017-10-20. Review status: criteria provided, single submitter. Criteria: LMM Criteria. Collection method: clinical testing. Allele origin: germline. Inheritance: Autosomal dominant inheritance. Observed: 1 variant allele.
Comment: The p.Ile662SerfsX52 variant in KCNH2 has not been reported in individuals with long QT syndrome (LQTS) or in large population studies. This variant is predicte d to cause a frameshift, which alters the protein?s amino acid sequence beginnin g at position 662 and leads to a premature termination codon 52 amino acids down stream. This alteration is then predicted to lead to a truncated or absent prote in. In summary, although additional studies are required to fully establish its clinical significance, the p.Ile662SerfsX52 variant meets criteria to be classif ied as likely pathogenic for autosomal dominant LQTS based upon the predicted im pact to the protein and its absence from the general population. ACMG/AMP criter ia applied: PVS1, PM2.

Literature cited by the submitters: PubMed 10973849 (cited by Labcorp Genetics (formerly Invitae), Labcorp); PubMed 19862833 (cited by Labcorp Genetics (formerly Invitae), Labcorp).

NM_000238.4(KCNH2):c.1983del (p.Ile662fs)

Gene: KCNH2 (potassium voltage-gated channel subfamily H member 2; minus strand). Cytogenetic location: 7q36.1.
Variant type: Deletion.
Coding change: c.1983del on transcript NM_000238.4 (MANE Select); coding-DNA position 1983, one base deleted (C; older notation c.1983delC).
Protein change: p.Ile662fs; shifts the reading frame from isoleucine 662.
Molecular consequence: frameshift variant.
Genome position (GRCh38, 1-based): chr7:150,951,083, G deleted on the plus strand (C on the coding strand, the reverse complement: KCNH2 is on the minus strand); the first of 2 consecutive G bases (chr7:150,951,083-150,951,084); deleting either gives the same sequence. VCF-style (leftmost placement, unchanged base first): chr7-150951082-TG-T. GRCh37 (hg19) VCF-style: chr7-150648170-TG-T.
Other names: c.963del, p.Ile322fs (NM_001204798.2, NM_172057.3); c.1694delC, p.Ile566Serfs (NM_001406753.1, NM_001406756.1); c.1805delC, p.Ile603Serfs (NM_001406755.1); c.1682delC, p.Ile562Serfs (NM_001406757.1); c.1982delC, p.Ile662Serfs (NM_172056.3); c.1983delC (NM_000238.3); short protein forms I322fs, I662fs.
Identifiers: ClinVar variation 667408 (VCV000667408.11), dbSNP rs1584852351, ClinGen allele CA913188246.